The following is an entry in ClinVar:

NM_017617.5(NOTCH1):c.3497G>T (p.Gly1166Val)

Gene: NOTCH1 (notch receptor 1; minus strand). Cytogenetic location: 9q34.3.
Variant type: single nucleotide variant.
Coding change: c.3497G>T on transcript NM_017617.5 (MANE Select); coding-DNA position 3497, G replaced by T.
Protein change: p.Gly1166Val; replaces glycine 1166 with valine.
Molecular consequence: missense variant.
Genome position (GRCh38, 1-based): chr9:136,507,968, C>A on the plus strand (G>T on the coding strand, the complement: NOTCH1 is on the minus strand). VCF-style: chr9-136507968-C-A. GRCh37 (hg19) VCF-style: chr9-139402420-C-A.
Other names: c.3497G>T (NM_017617.3); short protein forms G1166V.
Identifiers: ClinVar variation 3685428 (VCV003685428.3).
Genomic context (GRCh38, chr9:136,507,968, plus strand): 5'-GCAACACTCGTGCCGGCCACAACCCTTACCCTAGGAGGGACCCCCACCTTGCAGGAGTAG[C>A]CGCCCAGGTAGTCCGTGCAGGTGGCCCCGTTCTGGCAGGGGCTGGGTGAGCACTCGTCCA-3'
Protein context (NP_060087.3, residues 1156-1176): NGATCTDYLG[Gly1166Val]YSCKCVAGYH

ClinVar aggregate classification (germline): Uncertain significance. Review status: criteria provided, multiple submitters, no conflicts (2 of 4 stars). 2 submissions from 2 submitters: Uncertain significance (2). Last evaluated 2025-09-07.

Conditions:
Adams-Oliver syndrome 5 (AOS5). Identifiers: Orphanet 974, MedGen C4014970, MONDO:0014459, OMIM 616028.
Familial thoracic aortic aneurysm and aortic dissection (TAAD). Also called: Thoracic aortic aneurysms and dissections. Identifiers: Orphanet 91387, MedGen C4707243, MONDO:0019625.

Submissions (2):

Ambry Genetics
Classification: Uncertain significance for Familial thoracic aortic aneurysm and aortic dissection. Last evaluated: 2025-09-07. Review status: criteria provided, single submitter. Criteria: Ambry Variant Classification Scheme 2023. Collection method: clinical testing. Allele origin: germline.
Comment: The p.G1166V variant (also known as c.3497G>T), located in coding exon 21 of the NOTCH1 gene, results from a G to T substitution at nucleotide position 3497. The glycine at codon 1166 is replaced by valine, an amino acid with dissimilar properties. This amino acid position is conserved. In addition, this alteration is predicted to be deleterious by in silico analysis. Based on the available evidence, the clinical significance of this variant remains unclear.

Labcorp Genetics (formerly Invitae), Labcorp
Classification: Uncertain significance for Adams-Oliver syndrome 5. Last evaluated: 2024-10-01. Review status: criteria provided, single submitter. Criteria: Invitae Variant Classification Sherloc (09022015). Collection method: clinical testing. Allele origin: germline.
Comment: This sequence change replaces glycine, which is neutral and non-polar, with valine, which is neutral and non-polar, at codon 1166 of the NOTCH1 protein (p.Gly1166Val). This variant is not present in population databases (gnomAD no frequency). This variant has not been reported in the literature in individuals affected with NOTCH1-related conditions. Invitae Evidence Modeling of protein sequence and biophysical properties (such as structural, functional, and spatial information, amino acid conservation, physicochemical variation, residue mobility, and thermodynamic stability) indicates that this missense variant is not expected to disrupt NOTCH1 protein function with a negative predictive value of 80%. In summary, the available evidence is currently insufficient to determine the role of this variant in disease. Therefore, it has been classified as a Variant of Uncertain Significance.